The following is an entry in ClinVar:

NM_032043.3(BRIP1):c.2725C>G (p.Leu909Val)

Gene: BRIP1 (BRCA1 interacting DNA helicase 1; minus strand). Cytogenetic location: 17q23.2.
Variant type: single nucleotide variant.
Coding change: c.2725C>G on transcript NM_032043.3 (MANE Select); coding-DNA position 2725, C replaced by G.
Protein change: p.Leu909Val; replaces leucine 909 with valine.
Molecular consequence: missense variant.
Genome position (GRCh38, 1-based): chr17:61,686,016, G>C on the plus strand (C>G on the coding strand, the complement: BRIP1 is on the minus strand). VCF-style: chr17-61686016-G-C. GRCh37 (hg19) VCF-style: chr17-59763377-G-C.
Other names: short protein forms L909V.
Identifiers: ClinVar variation 141576 (VCV000141576.15), dbSNP rs587781853, ClinGen allele CA165834.
Genomic context (GRCh38, chr17:61,686,016, plus strand): 5'-GATGACTTGCTGCTTCCAGTAAATAAGGTGAGGTACTGTACTTTAAAGAGGTCACTTCAA[G>C]TGTAGACTCATTGTCCTGTATATTGGTTCTGTCCTTTATGGATACATTAAGAACTTTTTG-3'
Protein context (NP_114432.2, residues 899-919): RTNIQDNEST[Leu909Val]EVTSLKYSTS

ClinVar aggregate classification (germline): Uncertain significance. Review status: criteria provided, multiple submitters, no conflicts (2 of 4 stars). 4 submissions from 4 submitters: Uncertain significance (4). Last evaluated 2024-04-16.

Conditions:
Hereditary cancer-predisposing syndrome. Also called: Neoplastic Syndromes, Hereditary; Hereditary Cancer Syndrome; Hereditary neoplastic syndrome; Tumor predisposition. Identifiers: Orphanet 140162, MedGen C0027672, MeSH D009386, MONDO:0015356.
Familial cancer of breast. Also called: Hereditary breast cancer; hereditary breast carcinoma; BREAST CANCER, FAMILIAL. Identifiers: Orphanet 227535, MedGen C0346153, MONDO:0016419, OMIM 114480. Disease mechanism: loss of function.
Fanconi anemia complementation group J. Also called: BRIP1-Related Fanconi Anemia. Identifiers: Orphanet 84, MedGen C1836860, MONDO:0012187, OMIM 609054.

Submissions (4):

Labcorp Genetics (formerly Invitae), Labcorp
Classification: Uncertain significance for Familial cancer of breast; Fanconi anemia complementation group J. Last evaluated: 2024-04-16. Review status: criteria provided, single submitter. Criteria: Invitae Variant Classification Sherloc (09022015). Collection method: clinical testing. Allele origin: germline.
Comment: This sequence change replaces leucine, which is neutral and non-polar, with valine, which is neutral and non-polar, at codon 909 of the BRIP1 protein (p.Leu909Val). This variant is not present in population databases (gnomAD no frequency). This variant has not been reported in the literature in individuals affected with BRIP1-related conditions. ClinVar contains an entry for this variant (Variation ID: 141576). Advanced modeling of protein sequence and biophysical properties (such as structural, functional, and spatial information, amino acid conservation, physicochemical variation, residue mobility, and thermodynamic stability) performed at Invitae indicates that this missense variant is not expected to disrupt BRIP1 protein function with a negative predictive value of 80%. In summary, the available evidence is currently insufficient to determine the role of this variant in disease. Therefore, it has been classified as a Variant of Uncertain Significance.

Color Diagnostics, LLC DBA Color Health
Classification: Uncertain significance for Hereditary cancer-predisposing syndrome. Last evaluated: 2023-12-04. Review status: criteria provided, single submitter. Criteria: ACMG Guidelines, 2015. Collection method: clinical testing. Allele origin: germline.
Comment: This missense variant replaces leucine with valine at codon 909 of the BRIP1 protein. Computational prediction suggests that this variant may not impact protein structure and function (internally defined REVEL score threshold <= 0.5, PMID: 27666373). To our knowledge, functional studies have not been reported for this variant. This variant has not been reported in individuals affected with BRIP1-related disorders in the literature. This variant has not been identified in the general population by the Genome Aggregation Database (gnomAD). The available evidence is insufficient to determine the role of this variant in disease conclusively. Therefore, this variant is classified as a Variant of Uncertain Significance.

Ambry Genetics
Classification: Uncertain significance for Hereditary cancer-predisposing syndrome. Last evaluated: 2023-11-09. Review status: criteria provided, single submitter. Criteria: Ambry Variant Classification Scheme 2023. Collection method: clinical testing. Allele origin: germline.
Comment: The p.L909V variant (also known as c.2725C>G), located in coding exon 18 of the BRIP1 gene, results from a C to G substitution at nucleotide position 2725. The leucine at codon 909 is replaced by valine, an amino acid with highly similar properties. This amino acid position is not well conserved in available vertebrate species. In addition, this alteration is predicted to be tolerated by in silico analysis. Since supporting evidence is limited at this time, the clinical significance of this alteration remains unclear.

Baylor Genetics
Classification: Uncertain significance for Familial cancer of breast. Last evaluated: 2023-06-05. Review status: criteria provided, single submitter. Criteria: ACMG Guidelines, 2015. Collection method: clinical testing. Allele origin: unknown.